The following is an entry in ClinVar:

NM_003846.3(PEX11B):c.539G>A (p.Gly180Glu)

Gene: PEX11B (peroxisomal biogenesis factor 11 beta; minus strand). Cytogenetic location: 1q21.1.
Variant type: single nucleotide variant.
Coding change: c.539G>A on transcript NM_003846.3 (MANE Select); coding-DNA position 539, G replaced by A.
Protein change: p.Gly180Glu; replaces glycine 180 with glutamic acid.
Molecular consequence: missense variant. On other transcripts: non-coding transcript variant (3).
Genome position (GRCh38, 1-based): chr1:145,912,402, C>T on the plus strand (G>A on the coding strand, the complement: PEX11B is on the minus strand). VCF-style: chr1-145912402-C-T. GRCh37 (hg19) VCF-style: chr1-145522678-G-A.
Other names: c.497G>A, p.Gly166Glu (NM_001184795.1); short protein forms G180E, G166E.
Identifiers: ClinVar variation 1999089 (VCV001999089.4), dbSNP rs2525402459, ClinGen allele CA342121111.
Genomic context (GRCh38, chr1:145,912,402, plus strand): 5'-ACTCGAGCCAGGAGCAGGACTTGCAGCCGAAGTTTCAGAGCCAGTTGGGGCAGACCTCCT[C>T]CTGGAGTCCCTGGTCCCCCAAGTCCCCCAGTTTCACTTCCTCCTGGGACTCCTCCTCCAG-3'
Protein context (NP_003837.1, residues 170-190): TGGLGGPGTP[Gly180Glu]GGLPQLALKL

ClinVar aggregate classification (germline): Uncertain significance (1 of 4 stars; one submission).

Submission:

Labcorp Genetics (formerly Invitae), Labcorp
Classification: Uncertain significance. Last evaluated: 2022-05-26. Review status: criteria provided, single submitter. Criteria: Invitae Variant Classification Sherloc (09022015). Collection method: clinical testing. Allele origin: germline.
Comment: This sequence change replaces glycine, which is neutral and non-polar, with glutamic acid, which is acidic and polar, at codon 180 of the PEX11B protein (p.Gly180Glu). This variant is not present in population databases (gnomAD no frequency). This variant has not been reported in the literature in individuals affected with PEX11B-related conditions. Algorithms developed to predict the effect of missense changes on protein structure and function are either unavailable or do not agree on the potential impact of this missense change (SIFT: "Deleterious"; PolyPhen-2: "Benign"; Align-GVGD: "Class C0"). In summary, the available evidence is currently insufficient to determine the role of this variant in disease. Therefore, it has been classified as a Variant of Uncertain Significance.